The following is an entry in ClinVar:

NM_005422.4(TECTA):c.2032G>A (p.Glu678Lys)

Genes: TBCEL-TECTA (TBCEL-TECTA readthrough; plus strand), TECTA (tectorin alpha; plus strand). Cytogenetic location: 11q23.3.
Variant type: single nucleotide variant.
Coding change: c.2032G>A on transcript NM_005422.4 (MANE Select); coding-DNA position 2032, G replaced by A.
Protein change: p.Glu678Lys; replaces glutamic acid 678 with lysine.
Molecular consequence: missense variant.
Genome position (GRCh38, 1-based): chr11:121,128,009, G>A. VCF-style: chr11-121128009-G-A. GRCh37 (hg19) VCF-style: chr11-120998718-G-A.
Other names: c.2989G>A, p.Glu997Lys (NM_001378761.1); short protein forms E678K, E997K.
Identifiers: ClinVar variation 179257 (VCV000179257.5), dbSNP rs727504744, ClinGen allele CA184063.
Genomic context (GRCh38, chr11:121,128,009, plus strand): 5'-TACTACACCATGGGGGAGTTCTTCTGGGCCACGGCCAACTGCACTGTGCAATGCCTGTGC[G>A]AGGAGGGCGGGGACGTCTACTGCTTCAACAAGACCTGCGGCAGCGGGGAGGTGTGCGCCG-3'
Protein context (NP_005413.2, residues 668-688): TANCTVQCLC[Glu678Lys]EGGDVYCFNK

ClinVar aggregate classification (germline): Uncertain significance (1 of 4 stars; one submission).

Allele frequency attached by ClinVar (database versions not stated): gnomAD exomes below 0.00001; TOPMed below 0.00001.
gnomAD v4.1: 1 of 1,613,912 alleles (0.000062%); highest among the groups gnomAD compares: Non-Finnish European, 0.000085%; no homozygotes.

Submission:

Laboratory for Molecular Medicine, Mass General Brigham Personalized Medicine
Classification: Uncertain significance. Last evaluated: 2013-10-11. Review status: criteria provided, single submitter. Criteria: LMM Criteria. Collection method: clinical testing. Allele origin: germline. Observed: 1 variant allele.
Comment: The Glu678Lys variant in TECTA has not been reported in individuals with hearing loss or in large population studies. Computational analyses (biochemical amino acid properties, conservation, AlignGVGD, PolyPhen2, and SIFT) do not provide st rong support for or against an impact to the protein. In summary, additional dat a is needed to determine the clinical significance of this variant.